The following is an entry in ClinVar:

NM_000038.6(APC):c.2352T>G (p.Ser784=)

Gene: APC (APC regulator of Wnt signaling pathway; plus strand). Cytogenetic location: 5q22.2.
Variant type: single nucleotide variant.
Coding change: c.2352T>G on transcript NM_000038.6 (MANE Select); coding-DNA position 2352, T replaced by G.
Protein change: p.Ser784=; no amino-acid change (serine 784 retained).
Molecular consequence: synonymous variant.
Genome position (GRCh38, 1-based): chr5:112,837,946, T>G. VCF-style: chr5-112837946-T-G. GRCh37 (hg19) VCF-style: chr5-112173643-T-G.
Other names: c.2352T>G, p.Ser784= (NM_001127510.3, NM_001354895.2); c.2298T>G, p.Ser766= (NM_001127511.3); c.2406T>G, p.Ser802= (NM_001354896.2); c.2382T>G, p.Ser794= (NM_001354897.2); c.2277T>G, p.Ser759= (NM_001354898.2); c.2268T>G, p.Ser756= (NM_001354899.2); c.2229T>G, p.Ser743= (NM_001354900.2); c.2175T>G, p.Ser725= (NM_001354901.2); and 5 more.
Identifiers: ClinVar variation 1088862 (VCV001088862.11), dbSNP rs2149867123, ClinGen allele CA445963400.

ClinVar aggregate classification (germline): Benign/Likely benign. Review status: criteria provided, multiple submitters, no conflicts (2 of 4 stars). 2 submissions from 2 submitters: Benign (1); Likely benign (1). Last evaluated 2024-05-29.

Conditions:
Familial adenomatous polyposis 1 (FAP1). Also called: POLYPOSIS, ADENOMATOUS INTESTINAL; FAMILIAL ADENOMATOUS POLYPOSIS 1, ATTENUATED. Identifiers: MedGen C2713442, MONDO:0021056, OMIM 175100. Disease mechanism: loss of function.

gnomAD v4.1: 1 of 1,614,112 alleles (0.000062%); highest among the groups gnomAD compares: Non-Finnish European, 0.000085%; no homozygotes.

Submissions (2):

Labcorp Genetics (formerly Invitae), Labcorp
Classification: Likely benign for Familial adenomatous polyposis 1. Last evaluated: 2024-05-29. Review status: criteria provided, single submitter. Criteria: Invitae Variant Classification Sherloc (09022015). Collection method: clinical testing. Allele origin: germline.

Myriad Genetics, Inc.
Classification: Benign for Familial adenomatous polyposis 1. Last evaluated: 2024-03-12. Review status: criteria provided, single submitter. Criteria: Myriad Autosomal Dominant, Autosomal Recessive and X-Linked Classification Criteria (2023). Collection method: clinical testing. Allele origin: unknown.
Comment: This variant is considered benign. This variant is a silent/synonymous amino acid change and it is not expected to impact splicing.